The following is an entry in ClinVar:

NM_000135.4(FANCA):c.1417del (p.Leu473fs)

Gene: FANCA (FA complementation group A; minus strand). Cytogenetic location: 16q24.3.
Variant type: Deletion.
Coding change: c.1417del on transcript NM_000135.4 (MANE Select); coding-DNA position 1417, one base deleted (C; older notation c.1417delC).
Protein change: p.Leu473fs; shifts the reading frame from leucine 473.
Molecular consequence: frameshift variant.
Genome position (GRCh38, 1-based): chr16:89,784,907, G deleted on the plus strand (C on the coding strand, the reverse complement: FANCA is on the minus strand); the first of 2 consecutive G bases (chr16:89,784,907-89,784,908); deleting either gives the same sequence. VCF-style (leftmost placement, unchanged base first): chr16-89784906-AG-A. GRCh37 (hg19) VCF-style: chr16-89851314-AG-A.
Other names: c.1417del, p.Leu473fs (NM_001286167.3); short protein forms L473fs.
Identifiers: ClinVar variation 962030 (VCV000962030.7), dbSNP rs2039846326, ClinGen allele CA1139665031.

ClinVar aggregate classification (germline): Pathogenic (1 of 4 stars; one submission).

Conditions:
Fanconi anemia (FA). Also called: Fanconi's anemia. Identifiers: Orphanet 84, MedGen C0015625, MeSH D005199, MONDO:0019391.

Submission:

Labcorp Genetics (formerly Invitae), Labcorp
Classification: Pathogenic for Fanconi anemia. Last evaluated: 2022-07-19. Review status: criteria provided, single submitter. Criteria: Invitae Variant Classification Sherloc (09022015). Collection method: clinical testing. Allele origin: germline.
Comment: For these reasons, this variant has been classified as Pathogenic. ClinVar contains an entry for this variant (Variation ID: 962030). This variant has not been reported in the literature in individuals affected with FANCA-related conditions. This variant is not present in population databases (gnomAD no frequency). This sequence change creates a premature translational stop signal (p.Leu473Cysfs*53) in the FANCA gene. It is expected to result in an absent or disrupted protein product. Loss-of-function variants in FANCA are known to be pathogenic (PMID: 19367192).

Literature cited by the submitters: PubMed 19367192.